The following is an entry in ClinVar:

NM_015041.3(CLUAP1):c.514A>G (p.Ile172Val)

Gene: CLUAP1 (clusterin associated protein 1; plus strand). Cytogenetic location: 16p13.3.
Variant type: single nucleotide variant.
Coding change: c.514A>G on transcript NM_015041.3 (MANE Select); coding-DNA position 514, A replaced by G.
Protein change: p.Ile172Val; replaces isoleucine 172 with valine.
Molecular consequence: missense variant.
Genome position (GRCh38, 1-based): chr16:3,515,526, A>G. VCF-style: chr16-3515526-A-G. GRCh37 (hg19) VCF-style: chr16-3565526-A-G.
Other names: c.514A>G, p.Ile172Val (NM_001330454.2); c.16A>G, p.Ile6Val (NM_024793.3); short protein forms I6V, I172V.
Identifiers: ClinVar variation 934550 (VCV000934550.9), dbSNP rs2037713475, ClinGen allele CA394512925.
Genomic context (GRCh38, chr16:3,515,526, plus strand): 5'-CCTTTTCTGAAAATATACGTAAATGATTTTACTGTTTCCTAGGAAATGAGAACAGAAGCC[A>G]TTGCCAGACCTCTGGAAATAAACGAGACTGAAAAAGTGATGAGAATTGCAATAAAAGAGA-3'
Protein context (NP_055856.1, residues 162-182): VELREMRTEA[Ile172Val]ARPLEINETE

ClinVar aggregate classification (germline): Uncertain significance (1 of 4 stars; one submission).

Allele frequency attached by ClinVar (database versions not stated): gnomAD exomes below 0.00001.
gnomAD v4.1: 1 of 1,597,948 alleles (0.000063%); highest among the groups gnomAD compares: Non-Finnish European, 0.000085%; no homozygotes.

Submission:

Labcorp Genetics (formerly Invitae), Labcorp
Classification: Uncertain significance. Last evaluated: 2019-10-10. Review status: criteria provided, single submitter. Criteria: Invitae Variant Classification Sherloc (09022015). Collection method: clinical testing. Allele origin: germline.
Comment: This sequence change replaces isoleucine with valine at codon 172 of the CLUAP1 protein (p.Ile172Val). The isoleucine residue is moderately conserved and there is a small physicochemical difference between isoleucine and valine. This variant is not present in population databases (ExAC no frequency). This variant has not been reported in the literature in individuals with CLUAP1-related conditions. Algorithms developed to predict the effect of missense changes on protein structure and function output the following: SIFT: "Tolerated"; PolyPhen-2: "Benign"; Align-GVGD: "Class C0". The valine amino acid residue is found in multiple mammalian species, suggesting that this missense change does not adversely affect protein function. These predictions have not been confirmed by published functional studies and their clinical significance is uncertain. In summary, the available evidence is currently insufficient to determine the role of this variant in disease. Therefore, it has been classified as a Variant of Uncertain Significance.